The following is an entry in ClinVar:

ClinVar aggregate classification (germline): Uncertain significance (1 of 4 stars; one submission).

Conditions:
Nemaline myopathy 2 (NEM2). Also called: Nemaline myopathy 2, autosomal recessive. Identifiers: MedGen C1850569, MONDO:0009725, OMIM 256030.

Submission:

Labcorp Genetics (formerly Invitae), Labcorp
Classification: Uncertain significance for Nemaline myopathy 2. Last evaluated: 2020-10-20. Review status: criteria provided, single submitter. Criteria: Invitae Variant Classification Sherloc (09022015). Collection method: clinical testing. Allele origin: germline.
Comment: In summary, the available evidence is currently insufficient to determine the role of this variant in disease. Therefore, it has been classified as a Variant of Uncertain Significance. Algorithms developed to predict the effect of missense changes on protein structure and function are either unavailable or do not agree on the potential impact of this missense change (SIFT: "Deleterious"; PolyPhen-2: "Not Available"; Align-GVGD: "Class C0"). This variant has not been reported in the literature in individuals with NEB-related conditions. This variant is not present in population databases (ExAC no frequency). This sequence change replaces alanine with valine at codon 3019 of the NEB protein (p.Ala3019Val). The alanine residue is weakly conserved and there is a small physicochemical difference between alanine and valine.

NM_001164508.2(NEB):c.9056C>T (p.Ala3019Val)

Gene: NEB (nebulin; minus strand). Cytogenetic location: 2q23.3.
Variant type: single nucleotide variant.
Coding change: c.9056C>T on transcript NM_001164508.2 (MANE Select); coding-DNA position 9056, C replaced by T.
Protein change: p.Ala3019Val; replaces alanine 3019 with valine.
Molecular consequence: missense variant. On other transcripts: intron variant (1).
Genome position (GRCh38, 1-based): chr2:151,636,273, G>A on the plus strand (C>T on the coding strand, the complement: NEB is on the minus strand). VCF-style: chr2-151636273-G-A. GRCh37 (hg19) VCF-style: chr2-152492787-G-A.
Other names: c.9056C>T, p.Ala3019Val (NM_001164507.2, NM_001271208.2); c.8853+3620C>T (NM_004543.5); short protein forms A3019V.
Identifiers: ClinVar variation 1054051 (VCV001054051.9), dbSNP rs1394119778, ClinGen allele CA348805419.